The following is an entry in ClinVar:

NM_006206.6(PDGFRA):c.517G>A (p.Asp173Asn)

Gene: PDGFRA (platelet derived growth factor receptor alpha; plus strand). Cytogenetic location: 4q12.
Variant type: single nucleotide variant.
Coding change: c.517G>A on transcript NM_006206.6 (MANE Select); coding-DNA position 517, G replaced by A.
Protein change: p.Asp173Asn; replaces aspartic acid 173 with asparagine.
Molecular consequence: missense variant.
Genome position (GRCh38, 1-based): chr4:54,263,816, G>A. VCF-style: chr4-54263816-G-A. GRCh37 (hg19) VCF-style: chr4-55129983-G-A.
Other names: c.517G>A, p.Asp173Asn (NM_001347827.2, NM_001347829.2); c.592G>A, p.Asp198Asn (NM_001347828.2); c.556G>A, p.Asp186Asn (NM_001347830.2); c.517G>A (NM_006206.5); short protein forms D173N, D186N, D198N.
Identifiers: ClinVar variation 240352 (VCV000240352.20), dbSNP rs763718380, ClinGen allele CA2922305.
Genomic context (GRCh38, chr4:54,263,816, plus strand): 5'-ACTGATCCCGAGACTCCTGTAACCTTACACAACAGTGAGGGGGTGGTACCTGCCTCCTAC[G>A]ACAGCAGACAGGGCTTTAATGGGACCTTCACTGTAGGGCCCTATATCTGTGAGGCCACCG-3'
Protein context (NP_006197.1, residues 163-183): NSEGVVPASY[Asp173Asn]SRQGFNGTFT

ClinVar aggregate classification (germline): Conflicting classifications of pathogenicity. Review status: criteria provided, conflicting classifications (1 of 4 stars). 6 submissions from 6 submitters: Uncertain significance (4); Likely benign (2). Last evaluated 2026-06-12.
ClinVar aggregate classification (somatic clinical impact): Tier II - Potential (1 of 4 stars; one submission).

Conditions:
Polyps, multiple and recurrent inflammatory fibroid, gastrointestinal. Identifiers: MedGen C5193005, MONDO:0008285, OMIM 175510.
PDGFRA-related disorder. Also called: PDGFRA-related condition.
Idiopathic hypereosinophilic syndrome (HES). Identifiers: Orphanet 3260, MedGen C0206141, MONDO:0011895, OMIM 607685. Disease mechanism: gain of function.
Hereditary cancer-predisposing syndrome. Also called: Neoplastic Syndromes, Hereditary; Hereditary neoplastic syndrome; Hereditary Cancer Syndrome; Tumor predisposition. Identifiers: Orphanet 140162, MedGen C0027672, MeSH D009386, MONDO:0015356.
Gastrointestinal stromal tumor. Also called: Gastrointestinal stromal tumor, somatic; Gastrointestinal stroma tumor. Identifiers: Orphanet 44890, MedGen C0238198, MeSH D046152, MONDO:0011719, OMIM 606764, HP:0100723.
Adenocarcinoma of the large intestine. Identifiers: MedGen C1319315, MONDO:0005008, HP:0040275.

Allele frequency attached by ClinVar (database versions not stated): gnomAD 0.00002; TOPMed 0.00003.
gnomAD v4.1: 30 of 1,613,844 alleles (0.0019%); highest among the groups gnomAD compares: Admixed American, 0.01%; no homozygotes.

Submissions (7):

Myriad Genetics, Inc.
Classification: Likely benign for Polyps, multiple and recurrent inflammatory fibroid, gastrointestinal. Last evaluated: 2026-06-12. Review status: criteria provided, single submitter. Criteria: Myriad Autosomal Dominant, Autosomal Recessive and X-Linked Classification Criteria (2023). Collection method: clinical testing. Allele origin: unknown.
Comment: This variant is considered likely benign. This variant has been observed at a population frequency that is significantly greater than expected given the associated disease prevalence and penetrance.

Labcorp Genetics (formerly Invitae), Labcorp
Classification: Uncertain significance for Gastrointestinal stromal tumor. Last evaluated: 2026-01-19. Review status: criteria provided, single submitter. Criteria: Invitae Variant Classification Sherloc (09022015). Collection method: clinical testing. Allele origin: germline.
Comment: This sequence change replaces aspartic acid, which is acidic and polar, with asparagine, which is neutral and polar, at codon 173 of the PDGFRA protein (p.Asp173Asn). This variant is present in population databases (rs763718380, gnomAD 0.02%). This variant has not been reported in the literature in individuals affected with PDGFRA-related conditions. ClinVar contains an entry for this variant (Variation ID: 240352). Invitae Evidence Modeling of protein sequence and biophysical properties (such as structural, functional, and spatial information, amino acid conservation, physicochemical variation, residue mobility, and thermodynamic stability) indicates that this missense variant is not expected to disrupt PDGFRA protein function with a negative predictive value of 80%. In summary, the available evidence is currently insufficient to determine the role of this variant in disease. Therefore, it has been classified as a Variant of Uncertain Significance.

PreventionGenetics, part of Exact Sciences
Classification: Uncertain significance for PDGFRA-related condition. Last evaluated: 2025-03-11. Review status: criteria provided, single submitter. Criteria: ACMG Guidelines, 2015. Collection method: clinical testing. Allele origin: germline.
Comment: The PDGFRA c.517G>A variant is predicted to result in the amino acid substitution p.Asp173Asn. To our knowledge, this variant has not been reported in the literature. This variant is reported in 0.020% of alleles in individuals of African descent in gnomAD and has conflicting interpretations regarding its pathogenicity in ClinVar, ranging from likely benign to uncertain. At this time, the clinical significance of this variant is uncertain due to the absence of conclusive functional and genetic evidence.

Institute for Genomic Medicine (IGM) Clinical Laboratory, Nationwide Children's Hospital
Classification: Tier II - Potential for Adenocarcinoma of the large intestine. Assertion type: diagnostic. Clinical significance: supports diagnosis. Last evaluated: 2024-10-07. Review status: criteria provided, single submitter. Criteria: AMP/ASCO/CAP Guidelines, 2017. Collection method: clinical testing. Allele origin: somatic. Affected: yes.
Comment: Variant has Tier II (potential) clinical significance as a diagnostic inclusion criterion in colorectal adenocarcinoma, based on the following evidence: 1) Documented in one or more cancer databases (e.g., St. Jude Pecan, COSMIC, CIViC, OncoKB). 2) Diagnostic significance based on multiple small studies (Evidence Level C; PMIDs: 24755471, 33213472, 38303553).

Baylor Genetics
Classification: Uncertain significance for Polyps, multiple and recurrent inflammatory fibroid, gastrointestinal. Last evaluated: 2024-03-13. Review status: criteria provided, single submitter. Criteria: ACMG Guidelines, 2015. Collection method: clinical testing. Allele origin: unknown.

Fulgent Genetics
Classification: Uncertain significance for Polyps, multiple and recurrent inflammatory fibroid, gastrointestinal; Idiopathic hypereosinophilic syndrome. Last evaluated: 2024-01-18. Review status: criteria provided, single submitter. Criteria: ACMG Guidelines, 2015. Collection method: clinical testing. Allele origin: germline.

Ambry Genetics
Classification: Likely benign for Hereditary cancer-predisposing syndrome. Last evaluated: 2019-01-10. Review status: criteria provided, single submitter. Criteria: Ambry Variant Classification Scheme 2023. Collection method: clinical testing. Allele origin: germline.

Literature cited by the submitters: PubMed 24755471 (cited by Institute for Genomic Medicine (IGM) Clinical Laboratory, Nationwide Children's Hospital); PubMed 33213472 (cited by Institute for Genomic Medicine (IGM) Clinical Laboratory, Nationwide Children's Hospital); PubMed 38303553 (cited by Institute for Genomic Medicine (IGM) Clinical Laboratory, Nationwide Children's Hospital).